The following is an entry in ClinVar:

NM_000264.5(PTCH1):c.3903G>C (p.Gln1301His)

Gene: PTCH1 (patched 1; minus strand). Cytogenetic location: 9q22.32.
Variant type: single nucleotide variant.
Coding change: c.3903G>C on transcript NM_000264.5 (MANE Select); coding-DNA position 3903, G replaced by C.
Protein change: p.Gln1301His; replaces glutamine 1301 with histidine.
Molecular consequence: missense variant. On other transcripts: non-coding transcript variant (1).
Genome position (GRCh38, 1-based): chr9:95,447,353, C>G on the plus strand (G>C on the coding strand, the complement: PTCH1 is on the minus strand). VCF-style: chr9-95447353-C-G. GRCh37 (hg19) VCF-style: chr9-98209635-C-G.
Other names: c.3705G>C, p.Gln1235His (NM_001083602.3); c.3900G>C, p.Gln1300His (NM_001083603.3); c.3450G>C, p.Gln1150His (NM_001083604.3, NM_001083605.3, NM_001083606.3 and 1 more transcripts); c.3747G>C, p.Gln1249His (NM_001354918.2); short protein forms Q1150H, Q1235H, Q1249H, Q1300H, Q1301H.
Identifiers: ClinVar variation 4862667 (VCV004862667.1).

ClinVar aggregate classification (germline): Uncertain significance (1 of 4 stars; one submission).

Conditions:
Hereditary cancer-predisposing syndrome. Also called: Neoplastic Syndromes, Hereditary; Tumor predisposition; Hereditary Cancer Syndrome; Hereditary neoplastic syndrome. Identifiers: Orphanet 140162, MedGen C0027672, MeSH D009386, MONDO:0015356.

Submission:

Ambry Genetics
Classification: Uncertain significance for Hereditary cancer-predisposing syndrome. Last evaluated: 2026-04-12. Review status: criteria provided, single submitter. Criteria: Ambry Variant Classification Scheme 2023. Collection method: clinical testing. Allele origin: germline.
Comment: The p.Q1301H variant (also known as c.3903G>C), located in coding exon 23 of the PTCH1 gene, results from a G to C substitution at nucleotide position 3903. The glutamine at codon 1301 is replaced by histidine, an amino acid with highly similar properties. This amino acid position is conserved. In addition, this alteration is predicted to be tolerated by in silico analysis. Based on the available evidence, the clinical significance of this variant remains unclear.